The following is an entry in ClinVar:

NM_001177693.2(ARHGEF28):c.201G>A (p.Thr67=)

Gene: ARHGEF28 (Rho guanine nucleotide exchange factor 28; plus strand). Cytogenetic location: 5q13.2.
Variant type: single nucleotide variant.
Coding change: c.201G>A on transcript NM_001177693.2 (MANE Select); coding-DNA position 201, G replaced by A.
Protein change: p.Thr67=; no amino-acid change (threonine 67 retained).
Molecular consequence: synonymous variant. On other transcripts: intron variant (1).
Genome position (GRCh38, 1-based): chr5:73,752,928, G>A. VCF-style: chr5-73752928-G-A. GRCh37 (hg19) VCF-style: chr5-73048753-G-A.
Other names: c.201G>A, p.Thr67= (NM_001080479.3, NM_001388078.1); c.181+2944G>A (NM_001388076.1).
Identifiers: ClinVar variation 3029715 (VCV003029715.2), dbSNP rs753961568, ClinGen allele CA3304131.

ClinVar aggregate classification (germline): Likely benign (0 of 4 stars; one submission).

Conditions:
ARHGEF28-related disorder. Also called: ARHGEF28-related condition.

Allele frequency attached by ClinVar (database versions not stated): ExAC 0.00003.
gnomAD v4.1: 22 of 1,613,754 alleles (0.0014%); highest among the groups gnomAD compares: Admixed American, 0.015%; no homozygotes.

Submission:

PreventionGenetics, part of Exact Sciences
Classification: Likely benign for ARHGEF28-related condition. Last evaluated: 2022-04-20. Review status: no assertion criteria provided. Collection method: clinical testing. Allele origin: germline.
Comment: This variant is classified as likely benign based on ACMG/AMP sequence variant interpretation guidelines (Richards et al. 2015 PMID: 25741868, with internal and published modifications).